The following is an entry in ClinVar:

ClinVar aggregate classification (germline): Pathogenic. Review status: criteria provided, multiple submitters, no conflicts (2 of 4 stars). 2 submissions from 2 submitters: Pathogenic (2). Last evaluated 2024-10-16.

Conditions:
Kleefstra syndrome 2 (KLEFS2). Identifiers: MedGen C4540395, MONDO:0054701, OMIM 617768.

Submissions (2):

Institute of Human Genetics Munich, TUM University Hospital
Classification: Pathogenic for Kleefstra syndrome 2. Last evaluated: 2024-10-16. Review status: criteria provided, single submitter. Criteria: Classification criteria August 2017. Collection method: clinical testing. Allele origin: de novo. Inheritance: Autosomal dominant inheritance. Affected: yes. Observed: 1 variant allele.

GeneDx
Classification: Pathogenic. Last evaluated: 2023-09-15. Review status: criteria provided, single submitter. Criteria: GeneDx Variant Classification Process June 2021. Collection method: clinical testing. Allele origin: germline. Affected: yes.
Comment: Nonsense variant predicted to result in protein truncation or nonsense mediated decay in a gene for which loss of function is a known mechanism of disease; Not observed at significant frequency in large population cohorts (gnomAD); Has not been previously published as pathogenic or benign to our knowledge

NM_170606.3(KMT2C):c.9235C>T (p.Arg3079Ter)

Gene: KMT2C (lysine methyltransferase 2C; minus strand). Cytogenetic location: 7q36.1.
Variant type: single nucleotide variant.
Coding change: c.9235C>T on transcript NM_170606.3 (MANE Select); coding-DNA position 9235, C replaced by T.
Protein change: p.Arg3079Ter; replaces arginine 3079 with a stop codon.
Molecular consequence: nonsense.
Genome position (GRCh38, 1-based): chr7:152,176,218, G>A on the plus strand (C>T on the coding strand, the complement: KMT2C is on the minus strand). VCF-style: chr7-152176218-G-A. GRCh37 (hg19) VCF-style: chr7-151873303-G-A.
Other names: short protein forms R3079*.
Identifiers: ClinVar variation 2579994 (VCV002579994.6), dbSNP rs2129112621, ClinGen allele CA370075903.